The following is an entry in ClinVar:

NM_016058.5(TPRKB):c.145G>A (p.Val49Ile)

Gene: TPRKB (TP53RK binding protein; minus strand). Cytogenetic location: 2p13.1.
Variant type: single nucleotide variant.
Coding change: c.145G>A on transcript NM_016058.5 (MANE Select); coding-DNA position 145, G replaced by A.
Protein change: p.Val49Ile; replaces valine 49 with isoleucine.
Molecular consequence: missense variant.
Genome position (GRCh38, 1-based): chr2:73,732,282, C>T on the plus strand (G>A on the coding strand, the complement: TPRKB is on the minus strand). VCF-style: chr2-73732282-C-T. GRCh37 (hg19) VCF-style: chr2-73959409-C-T.
Other names: c.262G>A, p.Val88Ile (NM_001330386.2, NM_001330387.2); c.145G>A, p.Val49Ile (NM_001330388.2, NM_001330389.2); c.91G>A, p.Val31Ile (NM_001330390.2); c.46G>A, p.Val16Ile (NM_001330391.2, NM_001330392.2); c.145G>A (NM_016058.3, NM_016058.2); short protein forms V31I, V49I, V88I, V16I.
Identifiers: ClinVar variation 2064481 (VCV002064481.6), dbSNP rs145872059, ClinGen allele CA1716446.
Genomic context (GRCh38, chr2:73,732,282, plus strand): 5'-TTCCCAGTTTGTAGAGGTGAACTGCTTTGTTTGCTGCCACAAGTATCTGAAATGGATCAA[C>T]AATCTACCAAAGCAAGGAAAAAGAATTAATTACACATGGAGAATCTGCAGTGCCTGAAAA-3'
Protein context (NP_057142.1, residues 39-59): DGSLINPTVI[Val49Ile]DPFQILVAAN

ClinVar aggregate classification (germline): Uncertain significance. Review status: criteria provided, multiple submitters, no conflicts (2 of 4 stars). 3 submissions from 3 submitters: Uncertain significance (2). 1 of the submissions does not count toward it. Last evaluated 2025-06-24.

Conditions:
TPRKB-related disorder. Also called: TPRKB-related condition.

Allele frequency attached by ClinVar (database versions not stated): ExAC 0.00012; gnomAD 0.00023; TOPMed 0.00029; 1000 Genomes Project 0.00040; 1000 Genomes Project 30x 0.00047; ESP Exome Variant Server 0.00069.
gnomAD v4.1: 110 of 1,610,978 alleles (0.0068%); highest among the groups gnomAD compares: African/African-American, 0.13%; no homozygotes.

Submissions (3):

Labcorp Genetics (formerly Invitae), Labcorp
Classification: Uncertain significance. Last evaluated: 2025-06-24. Review status: criteria provided, single submitter. Criteria: Invitae Variant Classification Sherloc (09022015). Collection method: clinical testing. Allele origin: germline.
Comment: This sequence change replaces valine, which is neutral and non-polar, with isoleucine, which is neutral and non-polar, at codon 49 of the TPRKB protein (p.Val49Ile). This variant is present in population databases (rs145872059, gnomAD 0.1%), and has an allele count higher than expected for a pathogenic variant. This variant has not been reported in the literature in individuals affected with TPRKB-related conditions. ClinVar contains an entry for this variant (Variation ID: 2064481). An algorithm developed to predict the effect of missense changes on protein structure and function outputs the following: PolyPhen-2: "Benign". The isoleucine amino acid residue is found in multiple mammalian species, which suggests that this missense change does not adversely affect protein function. In summary, the available evidence is currently insufficient to determine the role of this variant in disease. Therefore, it has been classified as a Variant of Uncertain Significance.

Ambry Genetics
Classification: Uncertain significance. Last evaluated: 2024-03-18. Review status: criteria provided, single submitter. Criteria: Ambry Variant Classification Scheme 2023. Collection method: clinical testing. Allele origin: germline.

PreventionGenetics, part of Exact Sciences
Classification: Uncertain significance for TPRKB-related condition. Last evaluated: 2024-04-14. Review status: no assertion criteria provided. Collection method: clinical testing. Allele origin: germline. Not counted in ClinVar's aggregate classification.
Comment: The TPRKB c.145G>A variant is predicted to result in the amino acid substitution p.Val49Ile. To our knowledge, this variant has not been reported in the literature. This variant is reported in 0.11% of alleles in individuals of African descent in gnomAD. Although we suspect that this variant may be benign, at this time, the clinical significance of this variant is uncertain due to the absence of conclusive functional and genetic evidence.